The following is an entry in ClinVar:

NM_001395656.1(ROBO2):c.1982C>T (p.Thr661Met)

Gene: ROBO2 (roundabout guidance receptor 2; plus strand). Cytogenetic location: 3p12.3.
Variant type: single nucleotide variant.
Coding change: c.1982C>T on transcript NM_001395656.1 (MANE Select); coding-DNA position 1982, C replaced by T.
Protein change: p.Thr661Met; replaces threonine 661 with methionine.
Molecular consequence: missense variant.
Genome position (GRCh38, 1-based): chr3:77,568,433, C>T. VCF-style: chr3-77568433-C-T. GRCh37 (hg19) VCF-style: chr3-77617584-C-T.
Other names: c.2018C>T, p.Thr673Met (NM_001128929.3); c.1982C>T, p.Thr661Met (NM_001290039.2, NM_001290040.2, NM_001378202.1); c.191C>T, p.Thr64Met (NM_001290065.2); c.2030C>T, p.Thr677Met (NM_001378190.1, NM_001378191.1, NM_001378195.1 and 4 more transcripts); c.2051C>T, p.Thr684Met (NM_001378192.1, NM_001378194.1, NM_001378198.1 and 2 more transcripts); c.1970C>T, p.Thr657Met (NM_001378193.1, NM_001378197.1, NM_002942.5); c.2039C>T, p.Thr680Met (NM_001394212.1, NM_001394214.1, NM_001395657.1); short protein forms T684M, T64M, T661M, T677M, T680M, T657M, T673M.
Identifiers: ClinVar variation 2886129 (VCV002886129.4), dbSNP rs756826211, ClinGen allele CA2497205.

ClinVar aggregate classification (germline): Uncertain significance. Review status: criteria provided, multiple submitters, no conflicts (2 of 4 stars). 2 submissions from 2 submitters: Uncertain significance (2). Last evaluated 2024-02-13.

Allele frequency attached by ClinVar (database versions not stated): ExAC 0.00002; gnomAD exomes 0.00002; gnomAD 0.00010.
gnomAD v4.1: 49 of 1,612,490 alleles (0.003%); highest among the groups gnomAD compares: Middle Eastern, 0.033%; no homozygotes.

Submissions (2):

Labcorp Genetics (formerly Invitae), Labcorp
Classification: Uncertain significance. Last evaluated: 2024-02-13. Review status: criteria provided, single submitter. Criteria: Invitae Variant Classification Sherloc (09022015). Collection method: clinical testing. Allele origin: germline.
Comment: This sequence change replaces threonine, which is neutral and polar, with methionine, which is neutral and non-polar, at codon 657 of the ROBO2 protein (p.Thr657Met). This variant is present in population databases (rs756826211, gnomAD 0.03%). This variant has not been reported in the literature in individuals affected with ROBO2-related conditions. Algorithms developed to predict the effect of missense changes on protein structure and function output the following: SIFT: "Not Available"; PolyPhen-2: "Probably Damaging"; Align-GVGD: "Not Available". The methionine amino acid residue is found in multiple mammalian species, which suggests that this missense change does not adversely affect protein function. In summary, the available evidence is currently insufficient to determine the role of this variant in disease. Therefore, it has been classified as a Variant of Uncertain Significance.

Breakthrough Genomics
Classification: Uncertain significance. Review status: criteria provided, single submitter. Criteria: ACMG Guidelines, 2015. Collection method: not provided. Allele origin: germline. Inheritance: Autosomal dominant inheritance. Affected: yes.